The following is an entry in ClinVar:

NM_000377.3(WAS):c.463+5G>A

Gene: WAS (WASP actin nucleation promoting factor; plus strand). Cytogenetic location: Xp11.23.
Variant type: single nucleotide variant.
Coding change: c.463+5G>A on transcript NM_000377.3 (MANE Select); 5 bases into the intron after coding-DNA position 463, G replaced by A.
Molecular consequence: intron variant.
Genome position (GRCh38, 1-based): chrX:48,685,841, G>A. VCF-style: chrX-48685841-G-A. GRCh37 (hg19) VCF-style: chrX-48544230-G-A.
Identifiers: ClinVar variation 1703820 (VCV001703820.2), dbSNP rs2519281105, ClinGen allele CA2579600621.

ClinVar aggregate classification (germline): Uncertain significance (1 of 4 stars; one submission).

Conditions:
Thrombocytopenia 1. Also called: THROMBOCYTOPENIA, X-LINKED, 1; X-Linked Thrombocytopenia (XLT); X-linked thrombocytopenia with normal platelets. Identifiers: Orphanet 268322, Orphanet 852, MedGen C1839163, MONDO:0010743, OMIM 313900.

Allele frequency attached by ClinVar (database versions not stated): gnomAD exomes below 0.00001.
gnomAD v4.1: 2 of 1,202,370 alleles (0.00017%); highest among the groups gnomAD compares: Non-Finnish European, 0.00022%; no homozygotes.

Submission:

ISTH-SSC Genomics in Thrombosis and Hemostasis, KU Leuven, Center for Molecular and Vascular Biology
Classification: Uncertain significance for Thrombocytopenia 1. Review status: criteria provided, single submitter. Criteria: ACMG Guidelines, 2015. Collection method: clinical testing. Allele origin: germline. Affected: yes. Observed: 1 hemizygote.
Comment: Submitted to GoldVariant by Jose María Bastida and José Rivera; Grupo Español de Alteraciones Plaquetarias Congénitas (GEAPC)